The following is an entry in ClinVar:

ClinVar aggregate classification (germline): Uncertain significance (1 of 4 stars; one submission).

Conditions:
Primary ciliary dyskinesia. Also called: Ciliary dyskinesia. Identifiers: Orphanet 244, MedGen C0008780, MONDO:0016575, HP:0012265.

Allele frequency attached by ClinVar (database versions not stated): ESP Exome Variant Server 0.00015; 1000 Genomes Project 30x 0.00016; 1000 Genomes Project 0.00020.
gnomAD v4.1: 51 of 1,614,036 alleles (0.0032%); highest among the groups gnomAD compares: Non-Finnish European, 0.0041%; no homozygotes.

Submission:

Ambry Genetics
Classification: Uncertain significance for Primary ciliary dyskinesia. Last evaluated: 2023-02-12. Review status: criteria provided, single submitter. Criteria: Ambry Variant Classification Scheme 2023. Collection method: clinical testing. Allele origin: germline.
Comment: The p.E557K variant (also known as c.1669G>A), located in coding exon 11 of the ARMC4 gene, results from a G to A substitution at nucleotide position 1669. The glutamic acid at codon 557 is replaced by lysine, an amino acid with similar properties. This amino acid position is conserved. In addition, this alteration is predicted to be deleterious by in silico analysis. Since supporting evidence is limited at this time, the clinical significance of this alteration remains unclear.

NM_018076.5(ODAD2):c.1669G>A (p.Glu557Lys)

Gene: ODAD2 (outer dynein arm docking complex subunit 2; minus strand). Cytogenetic location: 10p12.1.
Variant type: single nucleotide variant.
Coding change: c.1669G>A on transcript NM_018076.5 (MANE Select); coding-DNA position 1669, G replaced by A.
Protein change: p.Glu557Lys; replaces glutamic acid 557 with lysine.
Molecular consequence: missense variant.
Genome position (GRCh38, 1-based): chr10:27,944,296, C>T on the plus strand (G>A on the coding strand, the complement: ODAD2 is on the minus strand). VCF-style: chr10-27944296-C-T. GRCh37 (hg19) VCF-style: chr10-28233225-C-T.
Other names: c.1669G>A, p.Glu557Lys (NM_001290020.2); c.244G>A, p.Glu82Lys (NM_001290021.2); c.745G>A, p.Glu249Lys (NM_001312689.2); short protein forms E82K, E557K, E249K.
Identifiers: ClinVar variation 2496967 (VCV002496967.2), dbSNP rs145742175, ClinGen allele CA5453460.
Genomic context (GRCh38, chr10:27,944,296, plus strand): 5'-CCCCGTGCTGCCTCACCACCCGCCGTGCTCTTTTAAACTTGGCAACATTCGCGATAGTCT[C>T]GGCTGCCAAACATTTTAGACTCTTGTGTGGAGAATCAAGTATATTCACCATAATTGGTAA-3'
Protein context (NP_060546.2, residues 547-567): PHKSLKCLAA[Glu557Lys]TIANVAKFKR